The following is an entry in ClinVar:

NM_023067.4(FOXL2):c.316C>T (p.Leu106Phe)

Gene: FOXL2 (forkhead box L2; minus strand). Cytogenetic location: 3q22.3.
Variant type: single nucleotide variant.
Coding change: c.316C>T on transcript NM_023067.4 (MANE Select); coding-DNA position 316, C replaced by T.
Protein change: p.Leu106Phe; replaces leucine 106 with phenylalanine.
Molecular consequence: missense variant.
Genome position (GRCh38, 1-based): chr3:138,946,407, G>A on the plus strand (C>T on the coding strand, the complement: FOXL2 is on the minus strand). VCF-style: chr3-138946407-G-A. GRCh37 (hg19) VCF-style: chr3-138665249-G-A.
Other names: short protein forms L106F.
Identifiers: ClinVar variation 369905 (VCV000369905.1), dbSNP rs1057516156, ClinGen allele CA10654890.

ClinVar aggregate classification (germline): Likely pathogenic (1 of 4 stars; one submission).

Conditions:
Blepharophimosis, ptosis, and epicanthus inversus syndrome. Identifiers: Orphanet 126, MedGen C0220663, MONDO:0007201, OMIM 110100.

Submission:

Genomic Diagnostic Laboratory, Division of Genomic Diagnostics, Children's Hospital of Philadelphia
Classification: Likely pathogenic for Blepharophimosis, ptosis, and epicanthus inversus syndrome. Last evaluated: 2016-11-03. Review status: criteria provided, single submitter. Criteria: DGD Variant Analysis Guidelines. Collection method: clinical testing. Allele origin: germline. Affected: yes. Observed: 1 variant allele.
Comment: Clinical Testing